The following is an entry in ClinVar:

NM_024675.4(PALB2):c.2515-1G>C

Gene: PALB2 (partner and localizer of BRCA2; minus strand). Cytogenetic location: 16p12.2.
Variant type: single nucleotide variant.
Coding change: c.2515-1G>C on transcript NM_024675.4 (MANE Select); the canonical splice acceptor site of the intron before coding-DNA position 2515, G replaced by C.
Molecular consequence: splice acceptor variant. On other transcripts: intron variant (1).
Genome position (GRCh38, 1-based): chr16:23,629,276, C>G on the plus strand (G>C on the coding strand, the complement: PALB2 is on the minus strand). VCF-style: chr16-23629276-C-G. GRCh37 (hg19) VCF-style: chr16-23640597-C-G.
Other names: c.727-1G>C (NM_001407313.1, NM_001407312.1); c.2455-1G>C (NM_001407296.1); c.2514+364G>C (NM_001407297.1); c.2515-1G>C (NM_001407302.1, NM_001407298.1, NM_001407300.1 and 2 more transcripts); c.1630-1G>C (NM_001407307.1, NM_001407309.1, NM_001407311.1 and 5 more transcripts); c.49-1G>C (NM_001407314.1).
Identifiers: ClinVar variation 216006 (VCV000216006.26), dbSNP rs587776417, ClinGen allele CA337588.

ClinVar aggregate classification (germline): Pathogenic/Likely pathogenic. Review status: criteria provided, multiple submitters, no conflicts (2 of 4 stars). 6 submissions from 6 submitters: Pathogenic (1); Likely pathogenic (5). Last evaluated 2026-05-13.

Conditions:
Hereditary cancer-predisposing syndrome. Also called: Tumor predisposition; Hereditary neoplastic syndrome; Hereditary Cancer Syndrome; Neoplastic Syndromes, Hereditary. Identifiers: Orphanet 140162, MedGen C0027672, MeSH D009386, MONDO:0015356.
Familial cancer of breast. Also called: BREAST CANCER, FAMILIAL; hereditary breast carcinoma; Hereditary breast cancer. Identifiers: Orphanet 227535, MedGen C0346153, MONDO:0016419, OMIM 114480. Disease mechanism: loss of function.
Breast-ovarian cancer, familial, susceptibility to, 5 (BROVCA5). Identifiers: MedGen C5830615, MONDO:0957530, OMIM 620442.

Allele frequency attached by ClinVar (database versions not stated): ExAC 0.00001; gnomAD exomes below 0.00001.

Submissions (6):

GeneDx
Classification: Likely pathogenic. Last evaluated: 2026-05-13. Review status: criteria provided, single submitter. Criteria: GeneDx Variant Classification Process June 2021. Collection method: clinical testing. Allele origin: germline.
Comment: Canonical splice site variant predicted to result in a null allele in a gene for which loss of function is a known mechanism of disease; Not observed at significant frequency in large population cohorts (gnomAD); Has not been previously published as pathogenic or benign to our knowledge

Labcorp Genetics (formerly Invitae), Labcorp
Classification: Likely pathogenic for Familial cancer of breast. Last evaluated: 2026-01-27. Review status: criteria provided, single submitter. Criteria: Invitae Variant Classification Sherloc (09022015). Collection method: clinical testing. Allele origin: germline.
Comment: This sequence change affects an acceptor splice site in intron 5 of the PALB2 gene. RNA analysis indicates that disruption of this splice site induces altered splicing and likely results in a shortened protein product. This variant is present in population databases (rs587776417, gnomAD 0.003%). Disruption of this splice site has been observed in individual(s) with breast and pancreatic cancer (PMID: 19264984, 21285249). ClinVar contains an entry for this variant (Variation ID: 216006). Studies have shown that disruption of this splice site results in skipping of 6, but is expected to preserve the integrity of the reading-frame (PMID: 21285249, 26990772, 30890586). In summary, the currently available evidence indicates that the variant is pathogenic, but additional data are needed to prove that conclusively. Therefore, this variant has been classified as Likely Pathogenic.

Ambry Genetics
Classification: Likely pathogenic for Hereditary cancer-predisposing syndrome. Last evaluated: 2025-09-24. Review status: criteria provided, single submitter. Criteria: Ambry Variant Classification Scheme 2023. Collection method: clinical testing. Allele origin: germline.
Comment: The c.2515-1G>C intronic variant results from a G to C substitution one nucleotide upstream from coding exon 6 of the PALB2 gene. This nucleotide position is highly conserved in available vertebrate species. In silico splice site analysis predicts that this alteration will weaken the native splice acceptor site. RNA studies have demonstrated that this alteration results in abnormal splicing in the set of samples tested (Ambry internal data). Based on the majority of available evidence to date, this variant is likely to be pathogenic.

3billion
Classification: Pathogenic for Breast-ovarian cancer, familial, susceptibility to, 5. Last evaluated: 2025-03-13. Review status: criteria provided, single submitter. Criteria: ACMG Guidelines, 2015. Collection method: clinical testing. Allele origin: germline. Affected: yes.
Comment: The variant is observed at an extremely low frequency in the gnomAD v4.1.0 dataset (total allele frequency: <0.001%). Predicted Consequence/Location: Canonical splice site: predicted to alter splicing and result in a loss or disruption of normal protein function. Multiple pathogenic loss-of-function variants are reported downstream of the variant. In silico tools predict the variant to alter splicing and produce an abnormal transcript [SpliceAI: 0.96 (spliceogenicity >=0.2, non-spliceogenicity <0.1)]. The variant has been reported at least twice as pathogenic with clinical assertions and evidence for the classification (ClinVar ID: VCV000216006). Therefore, this variant is classified as Pathogenic according to the recommendation of ACMG/AMP guideline.

Color Diagnostics, LLC DBA Color Health
Classification: Likely pathogenic for Hereditary cancer-predisposing syndrome. Last evaluated: 2024-05-07. Review status: criteria provided, single submitter. Criteria: ACMG Guidelines, 2015. Collection method: clinical testing. Allele origin: germline.
Comment: This variant causes a G to C nucleotide substitution at the -1 position of intron 15 of the PALB2 gene. Splice site prediction tools predict that this variant may have a significant impact on RNA splicing. A similar acceptor site variant at this intron, c.2515-1G>T, has been reported to cause the in-frame skipping of exon 16 (c.2515_2586del and p.Thr839_Lys862del) (PMID: 21285249) and also has been reported in two individuals affected with breast cancer and an individual affected with breast and pancreatic cancer (PMID: 19264984, 21285249). The in-frame skipping of exon 16 disrupts the WD40 repeat domain and it has been reported to produce a hypomorphic unstable PALB2 variant protein and is considered to be loss-of-function (PMID: 26990772, 30890586). To our knowledge, this variant has not been reported in individuals affected with hereditary cancer in the literature. This variant has been identified in 1/251010 chromosomes in the general population by the Genome Aggregation Database (gnomAD). Different variants affecting the same splice acceptor site, c.2515-1G>T and c.2515-1G>A, are known to be disease-causing (ClinVar variation ID: 126657, 582926). Loss of PALB2 function is a known mechanism of disease. Based on the available evidence, this variant is classified as Likely Pathogenic.

Quest Diagnostics Nichols Institute San Juan Capistrano
Classification: Likely pathogenic. Last evaluated: 2019-04-01. Review status: criteria provided, single submitter. Criteria: Quest Diagnostics criteria. Collection method: clinical testing. Allele origin: germline.
Comment: The variant disrupts a canonical splice site, and is therefore predicted to result in the loss of a functional protein. Variant identified at frequency that is consistent with pathogenicity.

Literature cited by the submitters: PubMed 19264984 (cited by Labcorp Genetics (formerly Invitae), Labcorp and Color Diagnostics, LLC DBA Color Health); PubMed 21285249 (cited by Labcorp Genetics (formerly Invitae), Labcorp and Color Diagnostics, LLC DBA Color Health); PubMed 26990772 (cited by Labcorp Genetics (formerly Invitae), Labcorp and Color Diagnostics, LLC DBA Color Health); PubMed 30890586 (cited by Labcorp Genetics (formerly Invitae), Labcorp and Color Diagnostics, LLC DBA Color Health).